The following is an entry in ClinVar:

NM_005045.4(RELN):c.5509A>C (p.Thr1837Pro)

Gene: RELN (reelin; minus strand). Cytogenetic location: 7q22.1.
Variant type: single nucleotide variant.
Coding change: c.5509A>C on transcript NM_005045.4 (MANE Select); coding-DNA position 5509, A replaced by C.
Protein change: p.Thr1837Pro; replaces threonine 1837 with proline.
Molecular consequence: missense variant.
Genome position (GRCh38, 1-based): chr7:103,561,552, T>G on the plus strand (A>C on the coding strand, the complement: RELN is on the minus strand). VCF-style: chr7-103561552-T-G. GRCh37 (hg19) VCF-style: chr7-103201999-T-G.
Other names: c.5509A>C, p.Thr1837Pro (NM_173054.3); short protein forms T1837P.
Identifiers: ClinVar variation 4788532 (VCV004788532.2).

ClinVar aggregate classification (germline): Uncertain significance. Review status: criteria provided, multiple submitters, no conflicts (2 of 4 stars). 2 submissions from 2 submitters: Uncertain significance (2). Last evaluated 2025-11-03.

Conditions:
Norman-Roberts syndrome (LIS2). Also called: Lissencephaly 2 (Norman-Roberts type). Identifiers: Orphanet 89844, MedGen C0796089, MONDO:0009760, OMIM 257320.
Familial temporal lobe epilepsy 7. Identifiers: Orphanet 101046, MedGen C4225327, MONDO:0014639, OMIM 616436.

gnomAD v4.1: 6 of 1,613,504 alleles (0.00037%); highest among the groups gnomAD compares: Non-Finnish European, 0.00051%; no homozygotes.

Submissions (2):

Labcorp Genetics (formerly Invitae), Labcorp
Classification: Uncertain significance for Familial temporal lobe epilepsy 7; Norman-Roberts syndrome. Last evaluated: 2025-11-03. Review status: criteria provided, single submitter. Criteria: Invitae Variant Classification Sherloc (09022015). Collection method: clinical testing. Allele origin: germline.
Comment: This sequence change replaces threonine, which is neutral and polar, with proline, which is neutral and non-polar, at codon 1837 of the RELN protein (p.Thr1837Pro). This variant is not present in population databases (gnomAD no frequency). This variant has not been reported in the literature in individuals affected with RELN-related conditions. Invitae Evidence Modeling of protein sequence and biophysical properties (such as structural, functional, and spatial information, amino acid conservation, physicochemical variation, residue mobility, and thermodynamic stability) indicates that this missense variant is not expected to disrupt RELN protein function with a negative predictive value of 80%. In summary, the available evidence is currently insufficient to determine the role of this variant in disease. Therefore, it has been classified as a Variant of Uncertain Significance.

Blueprint Genetics
Classification: Uncertain significance. Last evaluated: 2023-11-27. Review status: criteria provided, single submitter. Criteria: ACMG Guidelines, 2015. Collection method: clinical testing. Allele origin: germline.